The following is an entry in ClinVar:

NM_001276270.2(MBD4):c.144A>T (p.Glu48Asp)

Gene: MBD4 (methyl-CpG binding domain 4, DNA glycosylase; minus strand). Cytogenetic location: 3q21.3.
Variant type: single nucleotide variant.
Coding change: c.144A>T on transcript NM_001276270.2 (MANE Select); coding-DNA position 144, A replaced by T.
Protein change: p.Glu48Asp; replaces glutamic acid 48 with aspartic acid.
Molecular consequence: missense variant.
Genome position (GRCh38, 1-based): chr3:129,437,911, T>A on the plus strand (A>T on the coding strand, the complement: MBD4 is on the minus strand). VCF-style: chr3-129437911-T-A. GRCh37 (hg19) VCF-style: chr3-129156754-T-A.
Other names: c.144A>T, p.Glu48Asp (NM_001276271.2, NM_001276272.2, NM_001276273.2 and 1 more transcripts); short protein forms E48D.
Identifiers: ClinVar variation 4712529 (VCV004712529.2).

ClinVar aggregate classification (germline): Uncertain significance. Review status: criteria provided, multiple submitters, no conflicts (2 of 4 stars). 2 submissions from 2 submitters: Uncertain significance (2). Last evaluated 2026-06-21.

Conditions:
Inborn genetic diseases. Identifiers: MedGen C0950123, MeSH D030342.

Submissions (2):

Ambry Genetics
Classification: Uncertain significance for Inborn genetic diseases. Last evaluated: 2026-06-21. Review status: criteria provided, single submitter. Criteria: Ambry Variant Classification Scheme 2023. Collection method: clinical testing. Allele origin: germline.
Comment: The p.E48D variant (also known as c.144A>T), located in coding exon 2 of the MBD4 gene, results from an A to T substitution at nucleotide position 144. The glutamic acid at codon 48 is replaced by aspartic acid, an amino acid with highly similar properties. This amino acid position is conserved. In addition, this alteration is predicted to be tolerated by in silico analysis. Based on the available evidence, the clinical significance of this variant remains unclear.

Labcorp Genetics (formerly Invitae), Labcorp
Classification: Uncertain significance. Last evaluated: 2025-02-07. Review status: criteria provided, single submitter. Criteria: Invitae Variant Classification Sherloc (09022015). Collection method: clinical testing. Allele origin: germline.
Comment: This sequence change replaces glutamic acid, which is acidic and polar, with aspartic acid, which is acidic and polar, at codon 48 of the MBD4 protein (p.Glu48Asp). This variant is present in population databases (no rsID available, gnomAD 0.0009%). This variant has not been reported in the literature in individuals affected with MBD4-related conditions. An algorithm developed to predict the effect of missense changes on protein structure and function outputs the following: PolyPhen-2: "Benign". The aspartic acid amino acid residue is found in multiple mammalian species, which suggests that this missense change does not adversely affect protein function. In summary, the available evidence is currently insufficient to determine the role of this variant in disease. Therefore, it has been classified as a Variant of Uncertain Significance.